The following is an entry in ClinVar:

NM_000238.4(KCNH2):c.77-1G>T

Gene: KCNH2 (potassium voltage-gated channel subfamily H member 2; minus strand). Cytogenetic location: 7q36.1.
Variant type: single nucleotide variant.
Coding change: c.77-1G>T on transcript NM_000238.4 (MANE Select); the canonical splice acceptor site of the intron before coding-DNA position 77, G replaced by T.
Molecular consequence: splice acceptor variant.
Genome position (GRCh38, 1-based): chr7:150,974,942, C>A on the plus strand (G>T on the coding strand, the complement: KCNH2 is on the minus strand). VCF-style: chr7-150974942-C-A. GRCh37 (hg19) VCF-style: chr7-150672030-C-A.
Other names: c.77-1G>T (NM_172056.3); c.-101-1G>T (NM_001406755.1).
Identifiers: ClinVar variation 1171507 (VCV001171507.5), dbSNP rs794728406, ClinGen allele CA369866059.
Genomic context (GRCh38, chr7:150,974,942, plus strand): 5'-CGTTGCAGTAGATGACGGCGCAGTTCTCCACCCGAGCGTTGGCGATGATGAACTTACGGC[C>A]TAGGGGGGCGGGGAGGAGAGTGCGCGTGAGCGGGGACCCCAGCCTCCGGGACTCCCAGCC-3'

ClinVar aggregate classification (germline): Likely pathogenic (1 of 4 stars; one submission).

Conditions:
Cardiac arrhythmia. Also called: Arrhythmia; Cardiac rhythm disease. Identifiers: MedGen C0003811, MONDO:0007263, HP:0011675.

Submission:

Color Diagnostics, LLC DBA Color Health
Classification: Likely pathogenic for Cardiac arrhythmia. Last evaluated: 2020-07-28. Review status: criteria provided, single submitter. Criteria: ACMG Guidelines, 2015. Collection method: clinical testing. Allele origin: germline.
Comment: This variant causes a G to T nucleotide substitution at the -1 position of intron 1 of the KCNH2 gene. Splice site prediction tools predict that this variant may have a significant impact on RNA splicing. This variant is likely to cause an in-frame skipping of exon 2 (231 bp-long). Multiple pathogenic missense variants have been reported in this exon (Clinvar), indicating the functional importance of the region that may be affected by this variant. Although functional studies have not been reported, this variant is expected to result in a disrupted protein product and impair KCNH2 channel function. This variant has not been reported in individuals affected with cardiovascular disorders in the literature. This variant has not been identified in the general population by the Genome Aggregation Database (gnomAD). Loss of KCNH2 function is a known mechanism of disease. Based on the available evidence, this variant is classified as Likely Pathogenic.